The following is an entry in ClinVar:

NM_001243279.3(ACSF3):c.1402A>C (p.Ile468Leu)

Gene: ACSF3 (acyl-CoA synthetase family member 3; plus strand). Cytogenetic location: 16q24.3.
Variant type: single nucleotide variant.
Coding change: c.1402A>C on transcript NM_001243279.3 (MANE Select); coding-DNA position 1402, A replaced by C.
Protein change: p.Ile468Leu; replaces isoleucine 468 with leucine.
Molecular consequence: missense variant. On other transcripts: non-coding transcript variant (4).
Genome position (GRCh38, 1-based): chr16:89,145,302, A>C. VCF-style: chr16-89145302-A-C. GRCh37 (hg19) VCF-style: chr16-89211710-A-C.
Other names: c.607A>C, p.Ile203Leu (NM_001284316.2); c.1402A>C, p.Ile468Leu (NM_174917.5, NM_001127214.4); short protein forms I203L, I468L.
Identifiers: ClinVar variation 1979875 (VCV001979875.1), dbSNP rs1912700600, ClinGen allele CA397148070.

ClinVar aggregate classification (germline): Uncertain significance (1 of 4 stars; one submission).

Conditions:
Combined malonic and methylmalonic acidemia. Identifiers: Orphanet 289504, MedGen C3280314, MONDO:0013661, OMIM 614265.

Allele frequency attached by ClinVar (database versions not stated): TOPMed 0.00001.

Submission:

Labcorp Genetics (formerly Invitae), Labcorp
Classification: Uncertain significance for Combined malonic and methylmalonic acidemia. Last evaluated: 2022-05-25. Review status: criteria provided, single submitter. Criteria: Invitae Variant Classification Sherloc (09022015). Collection method: clinical testing. Allele origin: germline.
Comment: This sequence change replaces isoleucine, which is neutral and non-polar, with leucine, which is neutral and non-polar, at codon 468 of the ACSF3 protein (p.Ile468Leu). This variant is not present in population databases (gnomAD no frequency). This variant has not been reported in the literature in individuals affected with ACSF3-related conditions. Algorithms developed to predict the effect of missense changes on protein structure and function (SIFT, PolyPhen-2, Align-GVGD) all suggest that this variant is likely to be tolerated. In summary, the available evidence is currently insufficient to determine the role of this variant in disease. Therefore, it has been classified as a Variant of Uncertain Significance.